The following is an entry in ClinVar:

NM_001173990.3(TMEM216):c.257A>G (p.Lys86Arg)

Gene: TMEM216 (transmembrane protein 216; plus strand). Cytogenetic location: 11q12.2.
Variant type: single nucleotide variant.
Coding change: c.257A>G on transcript NM_001173990.3 (MANE Select); coding-DNA position 257, A replaced by G.
Protein change: p.Lys86Arg; replaces lysine 86 with arginine.
Molecular consequence: missense variant.
Genome position (GRCh38, 1-based): chr11:61,397,801, A>G. VCF-style: chr11-61397801-A-G. GRCh37 (hg19) VCF-style: chr11-61165273-A-G.
Other names: c.257A>G, p.Lys86Arg (NM_001173991.3); c.74A>G, p.Lys25Arg (NM_001330285.2, NM_016499.6); short protein forms K86R, K25R.
Identifiers: ClinVar variation 940243 (VCV000940243.10), dbSNP rs1414360114, ClinGen allele CA380685907.

ClinVar aggregate classification (germline): Uncertain significance (1 of 4 stars; one submission).

Conditions:
Joubert syndrome. Also called: Familial aplasia of the vermis; CEREBELLOPARENCHYMAL DISORDER IV; JOUBERT-BOLTSHAUSER SYNDROME. Identifiers: Orphanet 475, MedGen C5979921, MONDO:0018772.

Allele frequency attached by ClinVar (database versions not stated): gnomAD exomes below 0.00001; gnomAD 0.00001.

Submission:

Labcorp Genetics (formerly Invitae), Labcorp
Classification: Uncertain significance for Joubert syndrome. Last evaluated: 2023-07-17. Review status: criteria provided, single submitter. Criteria: Invitae Variant Classification Sherloc (09022015). Collection method: clinical testing. Allele origin: germline.
Comment: In summary, the available evidence is currently insufficient to determine the role of this variant in disease. Therefore, it has been classified as a Variant of Uncertain Significance. An algorithm developed to predict the effect of missense changes on protein structure and function (PolyPhen-2) suggests that this variant is likely to be tolerated. ClinVar contains an entry for this variant (Variation ID: 940243). This variant has not been reported in the literature in individuals affected with TMEM216-related conditions. This variant is present in population databases (no rsID available, gnomAD 0.007%). This sequence change replaces lysine, which is basic and polar, with arginine, which is basic and polar, at codon 86 of the TMEM216 protein (p.Lys86Arg).